The following is an entry in ClinVar:

NC_000022.11:g.50625817_50652308del

Genes: ARSA (arylsulfatase A; minus strand), LOC130067887 (ATAC-STARR-seq lymphoblastoid silent region 14004; plus strand). Cytogenetic location: 22q13.33.
Variant type: Deletion.
Identifiers: ClinVar variation 4974967 (VCV004974967.1).

ClinVar aggregate classification (germline): Likely pathogenic (1 of 4 stars; one submission).

Conditions:
Metachromatic leukodystrophy (MLD). Also called: ARSA DEFICIENCY; CEREBROSIDE SULFATASE DEFICIENCY; METACHROMATIC LEUKOENCEPHALOPATHY; SULFATIDE LIPIDOSIS; Cerebral sclerosis diffuse metachromatic form; Arylsulfatase A Deficiency. Identifiers: Orphanet 512, MedGen C0023522, MONDO:0018868, OMIM 250100.

Submission:

Laboratory of Experimental Gene Therapy of Hereditary Metabolic Diseases, Research Centre for Medical Genetics
Classification: Likely pathogenic for Metachromatic leukodystrophy. Last evaluated: 2026-09-17. Review status: criteria provided, single submitter. Criteria: ARSA MLD Assertion Criteria V2 2026 09 18. Collection method: clinical testing. Allele origin: germline. Inheritance: Autosomal recessive inheritance. Affected: yes. Observed: 1 variant allele, 1 compound heterozygote.
Comment: Reassessed under ACMG/AMP 2015 with ClinGen SVI refinements and a Bayesian point framework (supporting=1, moderate=2, strong=4, very strong=8; 6-9 points=likely pathogenic; >=10 points=pathogenic). Final score: 8. Evidence applied: PVS1_VeryStrong. Observations from the present referral series were excluded from classification.